The following is an entry in ClinVar:

ClinVar aggregate classification (germline): Uncertain significance (1 of 4 stars; one submission).

Allele frequency attached by ClinVar (database versions not stated): ExAC 0.00001; gnomAD 0.00001.
gnomAD v4.1: 4 of 1,614,104 alleles (0.00025%); highest among the groups gnomAD compares: Non-Finnish European, 0.00034%; no homozygotes.

Submission:

Labcorp Genetics (formerly Invitae), Labcorp
Classification: Uncertain significance. Last evaluated: 2022-04-24. Review status: criteria provided, single submitter. Criteria: Invitae Variant Classification Sherloc (09022015). Collection method: clinical testing. Allele origin: germline.
Comment: In summary, the available evidence is currently insufficient to determine the role of this variant in disease. Therefore, it has been classified as a Variant of Uncertain Significance. Algorithms developed to predict the effect of missense changes on protein structure and function (SIFT, PolyPhen-2, Align-GVGD) all suggest that this variant is likely to be tolerated. This variant has not been reported in the literature in individuals affected with POLR3A-related conditions. This variant is present in population databases (rs755845907, gnomAD 0.01%). This sequence change replaces tyrosine, which is neutral and polar, with cysteine, which is neutral and slightly polar, at codon 128 of the POLR3A protein (p.Tyr128Cys).

NM_007055.4(POLR3A):c.383A>G (p.Tyr128Cys)

Genes: POLR3A (RNA polymerase III subunit A; minus strand), LOC126860971 (CDK7 strongly-dependent group 2 enhancer GRCh37_chr10:79784551-79785750; plus strand). Cytogenetic location: 10q22.3.
Variant type: single nucleotide variant.
Coding change: c.383A>G on transcript NM_007055.4 (MANE Select); coding-DNA position 383, A replaced by G.
Protein change: p.Tyr128Cys; replaces tyrosine 128 with cysteine.
Molecular consequence: missense variant.
Genome position (GRCh38, 1-based): chr10:78,025,078, T>C on the plus strand (A>G on the coding strand, the complement: POLR3A is on the minus strand). VCF-style: chr10-78025078-T-C. GRCh37 (hg19) VCF-style: chr10-79784836-T-C.
Other names: short protein forms Y128C.
Identifiers: ClinVar variation 2130358 (VCV002130358.4), dbSNP rs755845907, ClinGen allele CA5571714.